The following is an entry in ClinVar:

ClinVar aggregate classification (germline): Uncertain significance (1 of 4 stars; one submission).

Submission:

Labcorp Genetics (formerly Invitae), Labcorp
Classification: Uncertain significance. Last evaluated: 2022-10-17. Review status: criteria provided, single submitter. Criteria: Invitae Variant Classification Sherloc (09022015). Collection method: clinical testing. Allele origin: germline.
Comment: In summary, the available evidence is currently insufficient to determine the role of this variant in disease. Therefore, it has been classified as a Variant of Uncertain Significance. Algorithms developed to predict the effect of missense changes on protein structure and function are either unavailable or do not agree on the potential impact of this missense change (SIFT: "Not Available"; PolyPhen-2: "Benign"; Align-GVGD: "Not Available"). ClinVar contains an entry for this variant (Variation ID: 846501). This variant has not been reported in the literature in individuals affected with C1QTNF5-related conditions. Information on the frequency of this variant in the gnomAD database is not available, as this variant may be reported differently in the database. This sequence change replaces alanine, which is neutral and non-polar, with methionine, which is neutral and non-polar, at codon 86 of the C1QTNF5 protein (p.Ala86Met).

NM_001278431.2(C1QTNF5):c.256_257delinsAT (p.Ala86Met)

Genes: C1QTNF5 (C1q and TNF related 5; minus strand), MFRP (membrane frizzled-related protein; minus strand). Cytogenetic location: 11q23.3.
Variant type: Indel.
Coding change: c.256_257delinsAT on transcript NM_001278431.2 (MANE Select); coding-DNA positions 256 to 257, GC replaced by AT.
Protein change: p.Ala86Met; replaces alanine 86 with methionine.
Molecular consequence: missense variant. On other transcripts: 3 prime UTR variant (1).
Genome position (GRCh38, 1-based): chr11:119,339,806-119,339,807, GC replaced by AT on the plus strand (GC replaced by AT on the coding strand, the reverse complement: C1QTNF5 is on the minus strand). VCF-style: chr11-119339806-GC-AT. GRCh37 (hg19) VCF-style: chr11-119210516-GC-AT.
Other names: c.256_257delinsAT, p.Ala86Met (NM_015645.5); c.*1152_*1153delinsAT (NM_031433.4); short protein forms A86M.
Identifiers: ClinVar variation 846501 (VCV000846501.9), dbSNP rs1950480917, ClinGen allele CA916083279.